The following is an entry in ClinVar:

NM_000535.7(PMS2):c.1423G>A (p.Val475Met)

Gene: PMS2 (PMS1 homolog 2, mismatch repair system component; minus strand). Cytogenetic location: 7p22.1.
Variant type: single nucleotide variant.
Coding change: c.1423G>A on transcript NM_000535.7 (MANE Select); coding-DNA position 1423, G replaced by A.
Protein change: p.Val475Met; replaces valine 475 with methionine.
Molecular consequence: missense variant. On other transcripts: non-coding transcript variant (1).
Genome position (GRCh38, 1-based): chr7:5,987,342, C>T on the plus strand (G>A on the coding strand, the complement: PMS2 is on the minus strand). VCF-style: chr7-5987342-C-T. GRCh37 (hg19) VCF-style: chr7-6026973-C-T.
Other names: c.1018G>A, p.Val340Met (NM_001322003.2, NM_001322004.2, NM_001322005.2 and 1 more transcripts); c.1267G>A, p.Val423Met (NM_001322006.2); c.1105G>A, p.Val369Met (NM_001322007.2, NM_001322008.2); c.862G>A, p.Val288Met (NM_001322010.2); c.490G>A, p.Val164Met (NM_001322011.2, NM_001322012.2); c.850G>A, p.Val284Met (NM_001322013.2); c.1423G>A, p.Val475Met (NM_001322014.2); c.1114G>A, p.Val372Met (NM_001322015.2); short protein forms V475M, V284M, V288M, V340M, V423M, V372M, V164M, V369M.
Identifiers: ClinVar variation 220557 (VCV000220557.12), dbSNP rs864622579, ClinGen allele CA349875.

ClinVar aggregate classification (germline): Conflicting classifications of pathogenicity. Review status: criteria provided, conflicting classifications (1 of 4 stars). 4 submissions from 4 submitters: Uncertain significance (3); Likely benign (1). Last evaluated 2024-12-31.

Conditions:
Hereditary nonpolyposis colorectal neoplasms. Identifiers: MedGen C0009405, MeSH D003123.
Hereditary cancer-predisposing syndrome. Also called: Hereditary neoplastic syndrome; Tumor predisposition; Hereditary Cancer Syndrome; Neoplastic Syndromes, Hereditary. Identifiers: Orphanet 140162, MedGen C0027672, MeSH D009386, MONDO:0015356.
Lynch syndrome. Identifiers: Orphanet 144, MedGen C4552100, MONDO:0005835. Disease mechanism: loss of function.

Allele frequency attached by ClinVar (database versions not stated): gnomAD exomes below 0.00001.

Submissions (4):

Labcorp Genetics (formerly Invitae), Labcorp
Classification: Uncertain significance for Hereditary nonpolyposis colorectal neoplasms. Last evaluated: 2024-12-31. Review status: criteria provided, single submitter. Criteria: Invitae Variant Classification Sherloc (09022015). Collection method: clinical testing. Allele origin: germline.
Comment: This sequence change replaces valine, which is neutral and non-polar, with methionine, which is neutral and non-polar, at codon 475 of the PMS2 protein (p.Val475Met). This variant is not present in population databases (gnomAD no frequency). This variant has not been reported in the literature in individuals affected with PMS2-related conditions. ClinVar contains an entry for this variant (Variation ID: 220557). Invitae Evidence Modeling incorporating data from in vitro experimental studies (internal data) indicates that this missense variant is not expected to disrupt PMS2 function with a negative predictive value of 95%. In summary, the available evidence is currently insufficient to determine the role of this variant in disease. Therefore, it has been classified as a Variant of Uncertain Significance.

All of Us Research Program, National Institutes of Health
Classification: Uncertain significance for Lynch syndrome. Last evaluated: 2023-08-28. Review status: criteria provided, single submitter. Criteria: ACMG Guidelines, 2015. Collection method: clinical testing. Allele origin: germline. Inheritance: Autosomal dominant inheritance. Observed: 2 variant alleles, 2 heterozygotes.
Comment: This missense variant replaces valine with methionine at codon 475 of the PMS2 protein. Computational prediction suggests that this variant may not impact protein structure and function (internally defined REVEL score threshold <= 0.5, PMID: 27666373). To our knowledge, functional studies have not been reported for this variant. This variant has not been reported in individuals affected with PMS2-related disorders in the literature. This variant has not been identified in the general population by the Genome Aggregation Database (gnomAD). The available evidence is insufficient to determine the role of this variant in disease conclusively. Therefore, this variant is classified as a Variant of Uncertain Significance.

This study involves interpretation of variants in research participants for the purpose of population health screening. Participant phenotype was not available at the time of variant classification. Additional details can be found in publication PMID: 35346344, PMCID: PMC8962531

Color Diagnostics, LLC DBA Color Health
Classification: Uncertain significance for Hereditary cancer-predisposing syndrome. Last evaluated: 2023-08-02. Review status: criteria provided, single submitter. Criteria: ACMG Guidelines, 2015. Collection method: clinical testing. Allele origin: germline.
Comment: This missense variant replaces valine with methionine at codon 475 of the PMS2 protein. Computational prediction suggests that this variant may not impact protein structure and function (internally defined REVEL score threshold <= 0.5, PMID: 27666373). To our knowledge, functional studies have not been reported for this variant. This variant has not been reported in individuals affected with PMS2-related disorders in the literature. This variant has not been identified in the general population by the Genome Aggregation Database (gnomAD). The available evidence is insufficient to determine the role of this variant in disease conclusively. Therefore, this variant is classified as a Variant of Uncertain Significance.

Ambry Genetics
Classification: Likely benign for Hereditary cancer-predisposing syndrome. Last evaluated: 2023-03-09. Review status: criteria provided, single submitter. Criteria: Ambry Variant Classification Scheme 2023. Collection method: clinical testing. Allele origin: germline.